The following is an entry in ClinVar:

ClinVar aggregate classification (germline): Uncertain significance (1 of 4 stars; one submission).

Allele frequency attached by ClinVar (database versions not stated): TOPMed below 0.00001; gnomAD 0.00001; gnomAD exomes 0.00001.
gnomAD v4.1: 7 of 582,664 alleles (0.0012%); highest among the groups gnomAD compares: Non-Finnish European, 0.0017%; no homozygotes.

Submission:

Labcorp Genetics (formerly Invitae), Labcorp
Classification: Uncertain significance. Last evaluated: 2025-09-28. Review status: criteria provided, single submitter. Criteria: Invitae Variant Classification Sherloc (09022015). Collection method: clinical testing. Allele origin: germline.
Comment: This sequence change falls in intron 2 of the STAT4 gene. It does not directly change the encoded amino acid sequence of the STAT4 protein. It affects a nucleotide within the consensus splice site. The frequency data for this variant in the population databases is considered unreliable, as metrics indicate poor data quality at this position in the gnomAD database. This variant has not been reported in the literature in individuals affected with STAT4-related conditions. ClinVar contains an entry for this variant (Variation ID: 2188211). Variants that disrupt the consensus splice site are a relatively common cause of aberrant splicing (PMID: 17576681, 9536098). Algorithms developed to predict the effect of sequence changes on RNA splicing suggest that this variant is not likely to affect RNA splicing. In summary, the available evidence is currently insufficient to determine the role of this variant in disease. Therefore, it has been classified as a Variant of Uncertain Significance.

Literature cited by the submitters: PubMed 17576681; PubMed 9536098.

NM_003151.4(STAT4):c.129-3T>A

Gene: STAT4 (signal transducer and activator of transcription 4; minus strand). Cytogenetic location: 2q32.3.
Variant type: single nucleotide variant.
Coding change: c.129-3T>A on transcript NM_003151.4 (MANE Select); 3 bases into the intron before coding-DNA position 129, T replaced by A.
Molecular consequence: intron variant.
Genome position (GRCh38, 1-based): chr2:191,146,760, A>T on the plus strand (T>A on the coding strand, the complement: STAT4 is on the minus strand). VCF-style: chr2-191146760-A-T. GRCh37 (hg19) VCF-style: chr2-192011486-A-T.
Other names: c.129-3T>A (NM_001243835.2).
Identifiers: ClinVar variation 2188211 (VCV002188211.4), dbSNP rs948759387, ClinGen allele CA62986764.